The following is an entry in ClinVar:

ClinVar aggregate classification (germline): Likely benign (1 of 4 stars; one submission).

Submission:

CeGaT Center for Human Genetics Tuebingen
Classification: Likely benign. Last evaluated: 2026-08-01. Review status: criteria provided, single submitter. Criteria: CeGaT Center For Human Genetics Tuebingen Variant Classification Criteria Version 2. Collection method: clinical testing. Allele origin: germline. Affected: yes. Observed: 7 variant alleles.
Comment: TTN: PM2:Supporting, BP4, BP7

NM_001267550.2(TTN):c.2757G>T (p.Leu919=)

Gene: TTN (titin; minus strand). Cytogenetic location: 2q31.2.
Variant type: single nucleotide variant.
Coding change: c.2757G>T on transcript NM_001267550.2 (MANE Select); coding-DNA position 2757, G replaced by T.
Protein change: p.Leu919=; no amino-acid change (leucine 919 retained).
Molecular consequence: synonymous variant.
Genome position (GRCh38, 1-based): chr2:178,784,088, C>A on the plus strand (G>T on the coding strand, the complement: TTN is on the minus strand). VCF-style: chr2-178784088-C-A. GRCh37 (hg19) VCF-style: chr2-179648815-C-A.
Other names: c.2757G>T, p.Leu919= (NM_001256850.1, NM_133378.4, NM_133379.5); c.2619G>T, p.Leu873= (NM_003319.4, NM_133432.3, NM_133437.4).
Identifiers: ClinVar variation 3257113 (VCV003257113.17).
Genomic context (GRCh38, chr2:178,784,088, plus strand): 5'-AATGGGAGTGGACCATGTAACAGCGGGTAACCAGTGACCAACCTTGGCTTCGCGTCCGTG[C>A]AGTACTTCAAAGCGCTCTTCACGGACGGTGGTGCCAGTGATGCTCACCCCTACTTCCTTT-3'
Protein context (NP_001254479.2, residues 909-929): TTVREERFEV[Leu919=]HGREAKVTET